The following is an entry in ClinVar:

ClinVar aggregate classification (germline): Pathogenic (1 of 4 stars; one submission).

Conditions:
Cernunnos-XLF deficiency (IMD124). Also called: SCID, AUTOSOMAL RECESSIVE, T CELL-NEGATIVE, B CELL-NEGATIVE, NK CELL-POSITIVE, WITH MICROCEPHALY, GROWTH RETARDATION, AND SENSITIVITY TO IONIZING RADIATION; Severe combined immunodeficiency with sensitivity to ionizing radiation due to NHEJ1 deficiency; SCID, autosomal recessive, T cell-negative, B cell-negative, NK cell-positive, and sensitivity to ionizing radiation due to NHEJ1 deficiency; IMMUNODEFICIENCY 124, SEVERE COMBINED; NHEJ1 SYNDROME. Identifiers: Orphanet 169079, MedGen C1969799, MONDO:0012650, OMIM 611291.

Submission:

Labcorp Genetics (formerly Invitae), Labcorp
Classification: Pathogenic for Cernunnos-XLF deficiency. Last evaluated: 2024-03-27. Review status: criteria provided, single submitter. Criteria: Invitae Variant Classification Sherloc (09022015). Collection method: clinical testing. Allele origin: germline.
Comment: This sequence change creates a premature translational stop signal (p.Tyr167*) in the NHEJ1 gene. It is expected to result in an absent or disrupted protein product. Loss-of-function variants in NHEJ1 are known to be pathogenic (PMID: 16439204, 20597108). This variant is not present in population databases (gnomAD no frequency). This premature translational stop signal has been observed in individual(s) with NHEJ1-related conditions (PMID: 22312109). For these reasons, this variant has been classified as Pathogenic.

Literature cited by the submitters: PubMed 16439204; PubMed 20597108; PubMed 22312109.

NM_024782.3(NHEJ1):c.501C>A (p.Tyr167Ter)

Gene: NHEJ1 (non-homologous end joining factor 1; minus strand). Cytogenetic location: 2q35.
Variant type: single nucleotide variant.
Coding change: c.501C>A on transcript NM_024782.3 (MANE Select); coding-DNA position 501, C replaced by A.
Protein change: p.Tyr167Ter; replaces tyrosine 167 with a stop codon.
Molecular consequence: nonsense. On other transcripts: non-coding transcript variant (1).
Genome position (GRCh38, 1-based): chr2:219,147,685, G>T on the plus strand (C>A on the coding strand, the complement: NHEJ1 is on the minus strand). VCF-style: chr2-219147685-G-T. GRCh37 (hg19) VCF-style: chr2-220012407-G-T.
Other names: c.501C>A, p.Tyr167Ter (NM_001377498.1, NM_001377499.1); short protein forms Y167*.
Identifiers: ClinVar variation 3720410 (VCV003720410.2).